The following is an entry in ClinVar:

ClinVar aggregate classification (germline): Uncertain significance. Review status: criteria provided, multiple submitters, no conflicts (2 of 4 stars). 2 submissions from 2 submitters: Uncertain significance (2). Last evaluated 2023-12-21.

gnomAD v4.1: 1 of 1,614,014 alleles (0.000062%); highest among the groups gnomAD compares: Non-Finnish European, 0.000085%; no homozygotes.

Submissions (2):

Blueprint Genetics
Classification: Uncertain significance. Last evaluated: 2023-12-21. Review status: criteria provided, single submitter. Criteria: ACMG Guidelines, 2015. Collection method: clinical testing. Allele origin: germline.

GeneDx
Classification: Uncertain significance. Last evaluated: 2022-12-28. Review status: criteria provided, single submitter. Criteria: GeneDx Variant Classification Process June 2021. Collection method: clinical testing. Allele origin: germline. Affected: yes.
Comment: Not observed at significant frequency in large population cohorts (gnomAD); In silico analysis supports that this missense variant has a deleterious effect on protein structure/function; Has not been previously published as pathogenic or benign to our knowledge

NM_001005273.3(CHD3):c.3314G>A (p.Arg1105His)

Gene: CHD3 (chromodomain helicase DNA binding protein 3; plus strand). Cytogenetic location: 17p13.1.
Variant type: single nucleotide variant.
Coding change: c.3314G>A on transcript NM_001005273.3 (MANE Select); coding-DNA position 3314, G replaced by A.
Protein change: p.Arg1105His; replaces arginine 1105 with histidine.
Molecular consequence: missense variant.
Genome position (GRCh38, 1-based): chr17:7,902,671, G>A. VCF-style: chr17-7902671-G-A. GRCh37 (hg19) VCF-style: chr17-7805989-G-A.
Other names: c.3491G>A, p.Arg1164His (NM_001005271.3); c.3314G>A, p.Arg1105His (NM_005852.4); short protein forms R1105H, R1164H.
Identifiers: ClinVar variation 2507115 (VCV002507115.2), dbSNP rs2544992414, ClinGen allele CA397941601.